The following is an entry in ClinVar:

NM_016507.4(CDK12):c.1549G>A (p.Glu517Lys)

Gene: CDK12 (cyclin dependent kinase 12; plus strand). Cytogenetic location: 17q12.
Variant type: single nucleotide variant.
Coding change: c.1549G>A on transcript NM_016507.4 (MANE Select); coding-DNA position 1549, G replaced by A.
Protein change: p.Glu517Lys; replaces glutamic acid 517 with lysine.
Molecular consequence: missense variant.
Genome position (GRCh38, 1-based): chr17:39,471,381, G>A. VCF-style: chr17-39471381-G-A. GRCh37 (hg19) VCF-style: chr17-37627634-G-A.
Other names: c.1549G>A, p.Glu517Lys (NM_015083.4); short protein forms E517K.
Identifiers: ClinVar variation 4844471 (VCV004844471.1).

ClinVar aggregate classification (germline): Uncertain significance (1 of 4 stars; one submission).

gnomAD v4.1: 1 of 1,613,998 alleles (0.000062%); highest among the groups gnomAD compares: Middle Eastern, 0.016%; no homozygotes.

Submission:

Ambry Genetics
Classification: Uncertain significance. Last evaluated: 2026-01-18. Review status: criteria provided, single submitter. Criteria: Ambry Variant Classification Scheme 2023. Collection method: clinical testing. Allele origin: germline.
Comment: The p.E517K variant (also known as c.1549G>A), located in coding exon 2 of the CDK12 gene, results from a G to A substitution at nucleotide position 1549. The glutamic acid at codon 517 is replaced by lysine, an amino acid with similar properties. This amino acid position is conserved. In addition, the in silico prediction for this alteration is inconclusive. Based on the available evidence, the clinical significance of this variant remains unclear.